The following is an entry in ClinVar:

NM_000243.3(MEFV):c.163A>G (p.Thr55Ala)

Gene: MEFV (MEFV innate immunity regulator, pyrin; minus strand). Cytogenetic location: 16p13.3.
Variant type: single nucleotide variant.
Coding change: c.163A>G on transcript NM_000243.3 (MANE Select); coding-DNA position 163, A replaced by G.
Protein change: p.Thr55Ala; replaces threonine 55 with alanine.
Molecular consequence: missense variant.
Genome position (GRCh38, 1-based): chr16:3,256,425, T>C on the plus strand (A>G on the coding strand, the complement: MEFV is on the minus strand). VCF-style: chr16-3256425-T-C. GRCh37 (hg19) VCF-style: chr16-3306425-T-C.
Other names: c.163A>G, p.Thr55Ala (NM_001198536.2); short protein forms T55A.
Identifiers: ClinVar variation 1717583 (VCV001717583.4), dbSNP rs2543159626, ClinGen allele CA394484059.
Genomic context (GRCh38, chr16:3,256,425, plus strand): 5'-GCAGGACCTGCAGGGTGAGCTGCACGGCGTACTCTTCCCCATAGTAGGTGACCAGCAGAG[T>C]GGCCATCTTCACCGGCCTGGCTCTCTGGATCTGGCTCCGGGGGATCCTGGAGTGCTCCTT-3'
Protein context (NP_000234.1, residues 45-65): IQRARPVKMA[Thr55Ala]LLVTYYGEEY

ClinVar aggregate classification (germline): Uncertain significance. Review status: criteria provided, multiple submitters, no conflicts (2 of 4 stars). 2 submissions from 2 submitters: Uncertain significance (2). Last evaluated 2024-02-20.

Conditions:
Familial Mediterranean fever (FMF). Also called: POLYSEROSITIS, FAMILIAL PAROXYSMAL; POLYSEROSITIS, RECURRENT; Periodic peritonitis; Benign paroxysmal peritonitis. Identifiers: Orphanet 342, MedGen C0031069, MONDO:0018088, OMIM 249100. Disease mechanism: gain of function.
Acute febrile neutrophilic dermatosis (AFND). Also called: Sweet Syndrome; Gomm Button disease. Identifiers: Orphanet 3243, MedGen C0085077, MONDO:0011959, OMIM 608068.
Familial Mediterranean fever, autosomal dominant. Also called: FMF, AUTOSOMAL DOMINANT; Dominant Familial Mediterranean Fever. Identifiers: Orphanet 342, MedGen C1851347, MONDO:0007601, OMIM 134610.

gnomAD v4.1: 1 of 1,614,014 alleles (0.000062%); no homozygotes.

Submissions (2):

Fulgent Genetics
Classification: Uncertain significance for Familial Mediterranean fever, autosomal dominant; Familial Mediterranean fever; Acute febrile neutrophilic dermatosis. Last evaluated: 2024-02-20. Review status: criteria provided, single submitter. Criteria: ACMG Guidelines, 2015. Collection method: clinical testing. Allele origin: germline.

Labcorp Genetics (formerly Invitae), Labcorp
Classification: Uncertain significance for Familial Mediterranean fever. Last evaluated: 2022-07-27. Review status: criteria provided, single submitter. Criteria: Invitae Variant Classification Sherloc (09022015). Collection method: clinical testing. Allele origin: germline.
Comment: This sequence change replaces threonine, which is neutral and polar, with alanine, which is neutral and non-polar, at codon 55 of the MEFV protein (p.Thr55Ala). This variant is not present in population databases (gnomAD no frequency). This variant has not been reported in the literature in individuals affected with MEFV-related conditions. Algorithms developed to predict the effect of missense changes on protein structure and function output the following: SIFT: "Tolerated"; PolyPhen-2: "Benign"; Align-GVGD: "Class C0". The alanine amino acid residue is found in multiple mammalian species, which suggests that this missense change does not adversely affect protein function. In summary, the available evidence is currently insufficient to determine the role of this variant in disease. Therefore, it has been classified as a Variant of Uncertain Significance.